The following is an entry in ClinVar:

NM_001079668.3(NKX2-1):c.8C>A (p.Ser3Tyr)

Genes: NKX2-1 (NK2 homeobox 1; minus strand), NKX2-1-AS1 (NKX2-1 antisense RNA 1; plus strand). Cytogenetic location: 14q13.3.
Variant type: single nucleotide variant.
Coding change: c.8C>A on transcript NM_001079668.3 (MANE Select); coding-DNA position 8, C replaced by A.
Protein change: p.Ser3Tyr; replaces serine 3 with tyrosine.
Molecular consequence: missense variant.
Genome position (GRCh38, 1-based): chr14:36,520,122, G>T on the plus strand (C>A on the coding strand, the complement: NKX2-1 is on the minus strand). VCF-style: chr14-36520122-G-T. GRCh37 (hg19) VCF-style: chr14-36989327-G-T.
Other names: short protein forms S3Y.
Identifiers: ClinVar variation 3368009 (VCV003368009.1).

ClinVar aggregate classification (germline): Uncertain significance (1 of 4 stars; one submission).

gnomAD v4.1: 2 of 1,613,082 alleles (0.00012%); highest among the groups gnomAD compares: South Asian, 0.0022%; no homozygotes.

Submission:

GeneDx
Classification: Uncertain significance. Last evaluated: 2024-01-18. Review status: criteria provided, single submitter. Criteria: GeneDx Variant Classification Process June 2021. Collection method: clinical testing. Allele origin: germline. Affected: yes.
Comment: In silico analysis supports a deleterious effect on splicing; In silico analysis supports that this missense variant has a deleterious effect on protein structure/function; Has not been previously published as pathogenic or benign to our knowledge